The following is an entry in ClinVar:

ClinVar aggregate classification (germline): Pathogenic. Review status: criteria provided, single submitter (1 of 4 stars). 2 submissions from 2 submitters: Pathogenic (1). 1 of the submissions does not count toward it. Last evaluated 2013-02-08.

Conditions:
Angelman syndrome (AS). Also called: HAPPY PUPPET SYNDROME. Identifiers: Orphanet 72, MedGen C0162635, MONDO:0007113, OMIM 105830. Disease mechanism: loss of function. Inheritance: AS is caused by disruption of maternally imprinted UBE3A located within the 15q11.2-q13 Angelman syndrome/Prader-Willi syndrome (AS/PWS) region., imprinting disorder.

Submissions (2):

Genetic Services Laboratory, University of Chicago
Classification: Pathogenic for Angelman syndrome. Last evaluated: 2013-02-08. Review status: criteria provided, single submitter. Criteria: ACMG Guidelines, 2007. Collection method: clinical testing. Allele origin: germline. Inheritance: Autosomal dominant inheritance. Affected: yes.

Baylor Genetics
Classification: Pathogenic for Angelman Syndrome. Last evaluated: 2014-02-14. Review status: no assertion criteria provided. Collection method: clinical testing. Allele origin: germline. Affected: yes. Observed: 1 variant allele. Study: UBE3A Mutation Study. Not counted in ClinVar's aggregate classification.
Comment: Data collected from clinical UBE3A sequence analysis results

Literature cited by the submitters: PubMed 25212744 (cited by Baylor Genetics).

NM_130839.5(UBE3A):c.1790G>A (p.Trp597Ter)

Genes: SNHG14 (small nucleolar RNA host gene 14; plus strand), UBE3A (ubiquitin protein ligase E3A; minus strand). Cytogenetic location: 15q11.2.
Variant type: single nucleotide variant.
Coding change: c.1790G>A on transcript NM_130839.5 (MANE Select); coding-DNA position 1790, G replaced by A.
Protein change: p.Trp597Ter; replaces tryptophan 597 with a stop codon.
Molecular consequence: nonsense. On other transcripts: non-coding transcript variant (1).
Genome position (GRCh38, 1-based): chr15:25,356,860, C>T on the plus strand (G>A on the coding strand, the complement: UBE3A is on the minus strand). VCF-style: chr15-25356860-C-T. GRCh37 (hg19) VCF-style: chr15-25602007-C-T.
Other names: c.1799G>A, p.Trp600Ter (NM_000462.5); c.1790G>A, p.Trp597Ter (NM_001354505.1, NM_001354538.2, NM_001354545.2); c.1730G>A, p.Trp577Ter (NM_001354506.2, NM_001354507.2, NM_001354508.2 and 17 more transcripts); c.1613G>A, p.Trp538Ter (NM_001354546.2); c.539G>A, p.Trp180Ter (NM_001354550.2); c.479G>A, p.Trp160Ter (NM_001354551.2); short protein forms W577*, W160*, W180*, W600*, W538*, W597*.
Identifiers: ClinVar variation 155959 (VCV000155959.6), dbSNP rs587781208, ClinGen allele CA333326.